The following is an entry in ClinVar:

ClinVar aggregate classification (germline): Pathogenic/Likely pathogenic. Review status: criteria provided, multiple submitters, no conflicts (2 of 4 stars). 2 submissions from 2 submitters: Pathogenic (1); Likely pathogenic (1). Last evaluated 2022-05-25.

Conditions:
Pulmonary fibrosis and/or bone marrow failure, Telomere-related, 3. Also called: PULMONARY FIBROSIS AND/OR BONE MARROW FAILURE SYNDROME, TELOMERE-RELATED, 3. Identifiers: Orphanet 2032, MedGen C4225346, MONDO:0014613, OMIM 616373.
Dyskeratosis congenita, autosomal recessive 5 (DKCB5). Identifiers: MedGen C3554656, MONDO:0014076, OMIM 615190.

Submissions (2):

Baylor Genetics
Classification: Likely pathogenic for Dyskeratosis congenita, autosomal recessive 5. Last evaluated: 2022-05-25. Review status: criteria provided, single submitter. Criteria: ACMG Guidelines, 2015. Collection method: clinical testing. Allele origin: unknown.

Labcorp Genetics (formerly Invitae), Labcorp
Classification: Pathogenic for Dyskeratosis congenita, autosomal recessive 5; Pulmonary fibrosis and/or bone marrow failure, Telomere-related, 3. Last evaluated: 2021-12-25. Review status: criteria provided, single submitter. Criteria: Invitae Variant Classification Sherloc (09022015). Collection method: clinical testing. Allele origin: germline.
Comment: This sequence change creates a premature translational stop signal (p.Ile329Serfs*125) in the RTEL1 gene. It is expected to result in an absent or disrupted protein product. Loss-of-function variants in RTEL1 are known to be pathogenic (PMID: 23453664, 23959892, 25607374). This variant is not present in population databases (gnomAD no frequency). This variant has not been reported in the literature in individuals affected with RTEL1-related conditions. For these reasons, this variant has been classified as Pathogenic.

Literature cited by the submitters: PubMed 23453664 (cited by Labcorp Genetics (formerly Invitae), Labcorp); PubMed 23959892 (cited by Labcorp Genetics (formerly Invitae), Labcorp); PubMed 25607374 (cited by Labcorp Genetics (formerly Invitae), Labcorp).

NM_001283009.2(RTEL1):c.984del (p.Ile329fs)

Genes: RTEL1 (regulator of telomere elongation helicase 1; plus strand), RTEL1-TNFRSF6B (RTEL1-TNFRSF6B readthrough (NMD candidate); plus strand). Cytogenetic location: 20q13.33.
Variant type: Deletion.
Coding change: c.984del on transcript NM_001283009.2 (MANE Select); coding-DNA position 984, one base deleted (C; older notation c.984delC).
Protein change: p.Ile329fs; shifts the reading frame from isoleucine 329.
Molecular consequence: frameshift variant. On other transcripts: non-coding transcript variant (1).
Genome position (GRCh38, 1-based): chr20:63,678,293, C deleted; the last of 2 consecutive C bases (chr20:63,678,292-63,678,293); deleting either gives the same sequence. VCF-style (leftmost placement, unchanged base first): chr20-63678291-GC-G. GRCh37 (hg19) VCF-style: chr20-62309644-GC-G.
Other names: c.315del, p.Ile106fs (NM_001283010.1); c.984del, p.Ile329fs (NM_016434.4); c.1056del, p.Ile353fs (NM_032957.5); short protein forms I106fs, I353fs, I329fs.
Identifiers: ClinVar variation 1408272 (VCV001408272.7), dbSNP rs2146211234, ClinGen allele CA2573157194.
Genomic context (GRCh38, chr20:63,678,291, plus strand): 5'-CTTGCGAGGAGGTGGGTGACACCTCCTCGACCCACAGTGATCCTGCTGCGCCTGGAGGGG[GC>G]CATCGATGCTGTTGAGCTGCCTGGAGACGACAGCGGTGTCACCAAGCCAGGGAGGTGAGA-3'